The following is an entry in ClinVar:

ClinVar aggregate classification (germline): Likely pathogenic (1 of 4 stars; one submission).

Conditions:
Dilated cardiomyopathy 1G (CMD1G). Identifiers: Orphanet 154, MedGen C1858763, MONDO:0011400, OMIM 604145.
Autosomal recessive limb-girdle muscular dystrophy type 2J (LGMDR10). Also called: Limb-girdle muscular dystrophy, type 2J; MUSCULAR DYSTROPHY, LIMB-GIRDLE, AUTOSOMAL RECESSIVE 10. Identifiers: Orphanet 140922, MedGen C1837342, MONDO:0012127, OMIM 608807.

Submission:

Labcorp Genetics (formerly Invitae), Labcorp
Classification: Likely pathogenic for Dilated cardiomyopathy 1G; Autosomal recessive limb-girdle muscular dystrophy type 2J. Last evaluated: 2024-10-18. Review status: criteria provided, single submitter. Criteria: Invitae Variant Classification Sherloc (09022015). Collection method: clinical testing. Allele origin: germline.
Comment: This sequence change creates a premature translational stop signal (p.Ser2859*) in the TTN gene. While this is not anticipated to result in nonsense mediated decay, it is expected to create a truncated TTN protein. This variant is not present in population databases (gnomAD no frequency). This variant has not been reported in the literature in individuals affected with TTN-related conditions. ClinVar contains an entry for this variant (Variation ID: 1484847). This variant is located in the I band of TTN (PMID: 25589632). Truncating variants in this region have been reported in individuals affected with autosomal recessive centronuclear myopathy (PMID: 23975875, internal data). Truncating variants in this region have also been identified in individuals affected with autosomal dominant dilated cardiomyopathy and/or cardio-related conditions (PMID: 27869827, 32964742, internal data). In summary, the currently available evidence indicates that the variant is pathogenic, but additional data are needed to prove that conclusively. Therefore, this variant has been classified as Likely Pathogenic.

Literature cited by the submitters: PubMed 25589632; PubMed 23975875; PubMed 27869827; PubMed 32964742.

NM_001267550.2(TTN):c.8576C>G (p.Ser2859Ter)

Gene: TTN (titin; minus strand). Cytogenetic location: 2q31.2.
Variant type: single nucleotide variant.
Coding change: c.8576C>G on transcript NM_001267550.2 (MANE Select); coding-DNA position 8576, C replaced by G.
Protein change: p.Ser2859Ter; replaces serine 2859 with a stop codon.
Molecular consequence: nonsense.
Genome position (GRCh38, 1-based): chr2:178,770,125, G>C on the plus strand (C>G on the coding strand, the complement: TTN is on the minus strand). VCF-style: chr2-178770125-G-C. GRCh37 (hg19) VCF-style: chr2-179634852-G-C.
Other names: c.8576C>G, p.Ser2859Ter (NM_001256850.1, NM_133378.4, NM_133379.5); c.8438C>G, p.Ser2813Ter (NM_003319.4, NM_133432.3, NM_133437.4); short protein forms S2813*, S2859*.
Identifiers: ClinVar variation 1484847 (VCV001484847.6), dbSNP rs1574564600, ClinGen allele CA349677077.